The following is an entry in ClinVar:

NM_004991.4(MECOM):c.2492T>C (p.Val831Ala)

Gene: MECOM (MDS1 and EVI1 complex locus; minus strand). Cytogenetic location: 3q26.2.
Variant type: single nucleotide variant.
Coding change: c.2492T>C on transcript NM_004991.4 (MANE Select); coding-DNA position 2492, T replaced by C.
Protein change: p.Val831Ala; replaces valine 831 with alanine.
Molecular consequence: missense variant.
Genome position (GRCh38, 1-based): chr3:169,112,872, A>G on the plus strand (T>C on the coding strand, the complement: MECOM is on the minus strand). VCF-style: chr3-169112872-A-G. GRCh37 (hg19) VCF-style: chr3-168830660-A-G.
Other names: c.2123T>C, p.Val708Ala (NM_001105077.4); c.1928T>C, p.Val643Ala (NM_001105078.4, NM_001164000.2, NM_001205194.2 and 4 more transcripts); c.1931T>C, p.Val644Ala (NM_001163999.2, NM_001366467.2, NM_001366468.2 and 1 more transcripts); c.2492T>C, p.Val831Ala (NM_001366466.2); c.1520T>C, p.Val507Ala (NM_001366473.2); c.956T>C, p.Val319Ala (NM_001366474.2); c.2492T>C (NM_004991.3); short protein forms V643A, V644A, V708A, V831A, V319A, V507A.
Identifiers: ClinVar variation 723121 (VCV000723121.15), dbSNP rs200965422, ClinGen allele CA2696137.
Genomic context (GRCh38, chr3:169,112,872, plus strand): 5'-GAAGGCCTCAAGTATTTCTCTTTTAAAGCTTCAAGTGGGTCAGTTAGTTTTCTTTTCTCT[A>G]CTCTGAAAGGTTAAAATTAGATTTTGGAGATGAAGCAGTCTCACATATCAATCACTACAT-3'
Protein context (NP_004982.2, residues 821-841): TPFFMDPIYR[Val831Ala]EKRKLTDPLE

ClinVar aggregate classification (germline): Conflicting classifications of pathogenicity. Review status: criteria provided, conflicting classifications (1 of 4 stars). 4 submissions from 4 submitters: Uncertain significance (1); Likely benign (3). Last evaluated 2026-01-15.

Conditions:
Inborn genetic diseases. Identifiers: MedGen C0950123, MeSH D030342.

Allele frequency attached by ClinVar (database versions not stated): ESP Exome Variant Server 0.00015; 1000 Genomes Project 30x 0.00016; 1000 Genomes Project 0.00020; ExAC 0.00031; TOPMed 0.00039; gnomAD 0.00048.
gnomAD v4.1: 828 of 1,608,550 alleles (0.051%); highest among the groups gnomAD compares: Non-Finnish European, 0.058%; 1 homozygote.

Submissions (4):

Labcorp Genetics (formerly Invitae), Labcorp
Classification: Likely benign. Last evaluated: 2026-01-15. Review status: criteria provided, single submitter. Criteria: Invitae Variant Classification Sherloc (09022015). Collection method: clinical testing. Allele origin: germline.

Blueprint Genetics
Classification: Likely benign. Last evaluated: 2024-11-21. Review status: criteria provided, single submitter. Criteria: ACMG Guidelines, 2015. Collection method: clinical testing. Allele origin: germline.

Ambry Genetics
Classification: Uncertain significance for Inborn genetic diseases. Last evaluated: 2024-10-05. Review status: criteria provided, single submitter. Criteria: Ambry Variant Classification Scheme 2023. Collection method: clinical testing. Allele origin: germline.
Comment: The p.V831A variant (also known as c.2492T>C), located in coding exon 9 of the MECOM gene, results from a T to C substitution at nucleotide position 2492. The valine at codon 831 is replaced by alanine, an amino acid with similar properties. This amino acid position is conserved. In addition, the in silico prediction for this alteration is inconclusive. Based on the available evidence, the clinical significance of this variant remains unclear.

Genetic Services Laboratory, University of Chicago
Classification: Likely benign. Last evaluated: 2021-11-12. Review status: criteria provided, single submitter. Criteria: ACMG Guidelines, 2015. Collection method: clinical testing. Allele origin: germline. Affected: no.